The following is an entry in ClinVar:

ClinVar aggregate classification (germline): Conflicting classifications of pathogenicity. Review status: criteria provided, conflicting classifications (1 of 4 stars). 2 submissions from 2 submitters: Pathogenic (1); Uncertain significance (1). Last evaluated 2025-03-20.

Conditions:
Nemaline myopathy 2 (NEM2). Also called: Nemaline myopathy 2, autosomal recessive. Identifiers: MedGen C1850569, MONDO:0009725, OMIM 256030.
Nemaline myopathy. Also called: Myopathies, Nemaline. Identifiers: Orphanet 607, MedGen C0206157, MONDO:0018958.

Allele frequency attached by ClinVar (database versions not stated): gnomAD exomes below 0.00001.
gnomAD v4.1: 1 of 1,611,438 alleles (0.000062%); highest among the groups gnomAD compares: Non-Finnish European, 0.000085%; no homozygotes.

Submissions (2):

Broad Center for Mendelian Genomics, Broad Institute of MIT and Harvard
Classification: Uncertain significance for Nemaline myopathy. Last evaluated: 2025-03-20. Review status: criteria provided, single submitter. Criteria: ACMG Guidelines, 2015. Collection method: curation. Allele origin: germline. Inheritance: Autosomal recessive inheritance.
Comment: The c.3774+1G>A variant in NEB has been not been previously reported in individuals with nemaline myopathy, but has been identified in 0.00009% (1/1177896) of European (non-Finnish) chromosomes by the Genome Aggregation Database (gnomAD; dbSNP ID: rs111293259). Although this variant has been seen in the general population in a heterozygous state, its frequency is low enough to be consistent with a recessive carrier frequency. This variant has also been reported in ClinVar (Variation ID: 211588) and has been interpreted as pathogenic by Genetic Services Laboratory (University of Chicago). This variant is located in the 5' splice region. Computational tools predict a splicing impact, though this information is not predictive enough to determine pathogenicity. There is an in-frame cryptic splice site 9 bases from the intron-exon boundary, providing evidence that this variant may delete 3 amino acids instead of causing loss of function. However, this information is not predictive enough to determine pathogenicity. Loss of function of the NEB gene is an established disease mechanism in autosomal recessive nemaline myopathy. In summary, while there is some suspicion for a pathogenic role, the clinical significance of this variant is uncertain. ACMG/AMP Criteria applied: PVS1_moderate, PM2_supporting (Richards 2015).

Genetic Services Laboratory, University of Chicago
Classification: Pathogenic for Nemaline myopathy 2, autosomal recessive. Last evaluated: 2014-12-01. Review status: criteria provided, single submitter. Criteria: ACMG Guidelines, 2015. Collection method: clinical testing. Allele origin: germline. Affected: yes.

NM_001164508.2(NEB):c.3774+1G>A

Gene: NEB (nebulin; minus strand). Cytogenetic location: 2q23.3.
Variant type: single nucleotide variant.
Coding change: c.3774+1G>A on transcript NM_001164508.2 (MANE Select); the canonical splice donor site of the intron after coding-DNA position 3774, G replaced by A.
Molecular consequence: splice donor variant.
Genome position (GRCh38, 1-based): chr2:151,677,564, C>T on the plus strand (G>A on the coding strand, the complement: NEB is on the minus strand). VCF-style: chr2-151677564-C-T. GRCh37 (hg19) VCF-style: chr2-152534078-C-T.
Other names: c.3774+1G>A (NM_004543.5, NM_001164507.2, NM_001271208.2).
Identifiers: ClinVar variation 211588 (VCV000211588.7), dbSNP rs111293259, ClinGen allele CA207426.